The following is an entry in ClinVar:

NM_001868.4(CPA1):c.65G>C (p.Gly22Ala)

Gene: CPA1 (carboxypeptidase A1; plus strand). Cytogenetic location: 7q32.2.
Variant type: single nucleotide variant.
Coding change: c.65G>C on transcript NM_001868.4 (MANE Select); coding-DNA position 65, G replaced by C.
Protein change: p.Gly22Ala; replaces glycine 22 with alanine.
Molecular consequence: missense variant.
Genome position (GRCh38, 1-based): chr7:130,380,585, G>C. VCF-style: chr7-130380585-G-C. GRCh37 (hg19) VCF-style: chr7-130020426-G-C.
Other names: short protein forms G22A.
Identifiers: ClinVar variation 1754412 (VCV001754412.2), dbSNP rs1401613042, ClinGen allele CA369279146.

ClinVar aggregate classification (germline): Uncertain significance (1 of 4 stars; one submission).

Conditions:
Hereditary pancreatitis (PCTT). Also called: Hereditary chronic pancreatitis; PRSS1-Related Hereditary Pancreatitis. Identifiers: Orphanet 676, MedGen C0238339, MONDO:0008185, OMIM 167800.

Allele frequency attached by ClinVar (database versions not stated): TOPMed below 0.00001.

Submission:

Ambry Genetics
Classification: Uncertain significance for Hereditary pancreatitis. Last evaluated: 2021-01-29. Review status: criteria provided, single submitter. Criteria: Ambry Variant Classification Scheme 2023. Collection method: clinical testing. Allele origin: germline.
Comment: The p.G22A variant (also known as c.65G>C), located in coding exon 1 of the CPA1 gene, results from a G to C substitution at nucleotide position 65. The amino acid change results in glycine to alanine at codon 22, an amino acid with similar properties. However, this change occurs in the last base pair of coding exon 1, which makes it likely to have some effect on normal mRNA splicing. This nucleotide position is highly conserved in available vertebrate species. In silico splice site analysis predicts that this alteration may weaken the native splice donor site. This amino acid position is well conserved in available vertebrate species. In addition, as a missense substitution this is predicted to be tolerated by in silico analysis. Since supporting evidence is limited at this time, the clinical significance of this alteration remains unclear.